The following is an entry in ClinVar:

NM_000038.6(APC):c.6701C>G (p.Pro2234Arg)

Gene: APC (APC regulator of Wnt signaling pathway; plus strand). Cytogenetic location: 5q22.2.
Variant type: single nucleotide variant.
Coding change: c.6701C>G on transcript NM_000038.6 (MANE Select); coding-DNA position 6701, C replaced by G.
Protein change: p.Pro2234Arg; replaces proline 2234 with arginine.
Molecular consequence: missense variant. On other transcripts: non-coding transcript variant (2).
Genome position (GRCh38, 1-based): chr5:112,842,295, C>G. VCF-style: chr5-112842295-C-G. GRCh37 (hg19) VCF-style: chr5-112177992-C-G.
Other names: c.6701C>G, p.Pro2234Arg (NM_001127510.3, NM_001354895.2, NM_001407450.1); c.6647C>G, p.Pro2216Arg (NM_001127511.3); c.6755C>G, p.Pro2252Arg (NM_001354896.2, NM_001407447.1, NM_001407448.1 and 1 more transcripts); c.6731C>G, p.Pro2244Arg (NM_001354897.2); c.6626C>G, p.Pro2209Arg (NM_001354898.2); c.6617C>G, p.Pro2206Arg (NM_001354899.2); c.6578C>G, p.Pro2193Arg (NM_001354900.2); c.6524C>G, p.Pro2175Arg (NM_001354901.2, NM_001407453.1); and 11 more; short protein forms P1850R, P1951R, P2074R, P2105R, P2108R, P2133R, P2143R, P2151R.
Identifiers: ClinVar variation 4801513 (VCV004801513.1).

ClinVar aggregate classification (germline): Uncertain significance (1 of 4 stars; one submission).

Conditions:
Familial adenomatous polyposis 1 (FAP1). Also called: FAMILIAL ADENOMATOUS POLYPOSIS 1, ATTENUATED; POLYPOSIS, ADENOMATOUS INTESTINAL. Identifiers: MedGen C2713442, MONDO:0021056, OMIM 175100. Disease mechanism: loss of function.

Submission:

Labcorp Genetics (formerly Invitae), Labcorp
Classification: Uncertain significance for Familial adenomatous polyposis 1. Last evaluated: 2026-01-27. Review status: criteria provided, single submitter. Criteria: Invitae Variant Classification Sherloc (09022015). Collection method: clinical testing. Allele origin: germline.
Comment: This sequence change replaces proline, which is neutral and non-polar, with arginine, which is basic and polar, at codon 2234 of the APC protein (p.Pro2234Arg). This variant is not present in population databases (gnomAD no frequency). This variant has not been reported in the literature in individuals affected with APC-related conditions. Invitae Evidence Modeling of protein sequence and biophysical properties (such as structural, functional, and spatial information, amino acid conservation, physicochemical variation, residue mobility, and thermodynamic stability) indicates that this missense variant is not expected to disrupt APC protein function with a negative predictive value of 95%. In summary, the available evidence is currently insufficient to determine the role of this variant in disease. Therefore, it has been classified as a Variant of Uncertain Significance.